The following is an entry in ClinVar:

ClinVar aggregate classification (germline): Uncertain significance. Review status: criteria provided, multiple submitters, no conflicts (2 of 4 stars). 5 submissions from 5 submitters: Uncertain significance (4). 1 of the submissions does not count toward it. Last evaluated 2025-01-08.

Conditions:
TECTA-related disorder. Also called: TECTA-related condition.
Inborn genetic diseases. Identifiers: MedGen C0950123, MeSH D030342.

Allele frequency attached by ClinVar (database versions not stated): gnomAD 0.00001 and 0.00002; gnomAD exomes 0.00002 and 0.00003; ExAC 0.00003; TOPMed 0.00003; ESP Exome Variant Server 0.00008.
gnomAD v4.1: 38 of 1,614,110 alleles (0.0024%); highest among the groups gnomAD compares: Admixed American, 0.013%; no homozygotes.

Submissions (5):

PreventionGenetics, part of Exact Sciences
Classification: Uncertain significance for TECTA-related condition. Last evaluated: 2025-01-08. Review status: criteria provided, single submitter. Criteria: ACMG Guidelines, 2015. Collection method: clinical testing. Allele origin: germline.
Comment: The TECTA c.3866C>T variant is predicted to result in the amino acid substitution p.Ala1289Val. To our knowledge, this variant has not been reported in the literature. This variant is reported in 0.012% of alleles in individuals of Latino descent in gnomAD. At this time, the clinical significance of this variant is uncertain due to the absence of conclusive functional and genetic evidence.

GeneDx
Classification: Uncertain significance. Last evaluated: 2024-09-16. Review status: criteria provided, single submitter. Criteria: GeneDx Variant Classification Process June 2021. Collection method: clinical testing. Allele origin: germline. Affected: yes.
Comment: Identified in a patient with bilateral hearing loss in published literature, however, the patient also had variants in other genes related to hearing loss (PMID: 34515852); In silico analysis indicates that this missense variant does not alter protein structure/function; This variant is associated with the following publications: (PMID: 21520338, 31554319, 9590290, 34515852)

Ambry Genetics
Classification: Uncertain significance for Inborn genetic diseases. Last evaluated: 2024-08-27. Review status: criteria provided, single submitter. Criteria: Ambry Variant Classification Scheme 2023. Collection method: clinical testing. Allele origin: germline.

Blueprint Genetics
Classification: Uncertain significance. Last evaluated: 2022-02-10. Review status: criteria provided, single submitter. Criteria: ACMG Guidelines, 2015. Collection method: clinical testing. Allele origin: germline.

Department of Pathology and Laboratory Medicine, Sinai Health System
Classification: Uncertain significance. Review status: no assertion criteria provided. Collection method: clinical testing. Allele origin: unknown. Affected: yes. Study: The Canadian Open Genetics Repository (COGR). Not counted in ClinVar's aggregate classification.
Comment: The TECTA p.A1289V variant was not identified in the literature nor was it identified in ClinVar. The variant was identified in dbSNP (ID: rs368634844) and in control databases in 7 of 251484 chromosomes at a frequency of 0.00002783 (Genome Aggregation Database March 6, 2019, v2.1.1). The variant was observed in the following populations: Other in 2 of 6140 chromosomes (freq: 0.000326), Latino in 4 of 34592 chromosomes (freq: 0.000116) and European (non-Finnish) in 1 of 113758 chromosomes (freq: 0.000009), but was not observed in the African, Ashkenazi Jewish, East Asian, European (Finnish), or South Asian populations. The p.A1289 residue is not conserved in mammals and computational analyses (PolyPhen-2, SIFT, MutationTaster, Revel, FATHMM, MetaLR, DANN) do not suggest a high likelihood of impact to the protein; however, this information is not predictive enough to rule out pathogenicity. The variant occurs outside of the splicing consensus sequence and in silico or computational prediction software programs (Splice AI exome) do not predict a difference in splicing. In summary, based on the above information the clinical significance of this variant cannot be determined with certainty at this time. This variant is classified as a variant of uncertain significance.

NM_005422.4(TECTA):c.3866C>T (p.Ala1289Val)

Genes: TBCEL-TECTA (TBCEL-TECTA readthrough; plus strand), TECTA (tectorin alpha; plus strand). Cytogenetic location: 11q23.3.
Variant type: single nucleotide variant.
Coding change: c.3866C>T on transcript NM_005422.4 (MANE Select); coding-DNA position 3866, C replaced by T.
Protein change: p.Ala1289Val; replaces alanine 1289 with valine.
Molecular consequence: missense variant.
Genome position (GRCh38, 1-based): chr11:121,145,877, C>T. VCF-style: chr11-121145877-C-T. GRCh37 (hg19) VCF-style: chr11-121016586-C-T.
Other names: c.3866C>T (NM_005422.2); c.4823C>T, p.Ala1608Val (NM_001378761.1); short protein forms A1289V, A1608V.
Identifiers: ClinVar variation 1049366 (VCV001049366.5), dbSNP rs368634844, ClinGen allele CA6327303.